The following is an entry in ClinVar:

NM_000232.5(SGCB):c.*2097T>G

Gene: SGCB (sarcoglycan beta; minus strand). Cytogenetic location: 4q12.
Variant type: single nucleotide variant.
Coding change: c.*2097T>G on transcript NM_000232.5 (MANE Select); 2097 bases downstream of the stop codon, T replaced by G.
Molecular consequence: 3 prime UTR variant.
Genome position (GRCh38, 1-based): chr4:52,021,860, A>C on the plus strand (T>G on the coding strand, the complement: SGCB is on the minus strand). VCF-style: chr4-52021860-A-C. GRCh37 (hg19) VCF-style: chr4-52888026-A-C.
Identifiers: ClinVar variation 348860 (VCV000348860.7), dbSNP rs170424, ClinGen allele CA10621166.

ClinVar aggregate classification (germline): Benign. Review status: criteria provided, multiple submitters, no conflicts (2 of 4 stars). 2 submissions from 2 submitters: Benign (2). Last evaluated 2018-01-12.

Conditions:
Qualitative or quantitative defects of beta-sarcoglycan. Identifiers: Orphanet 207063, MedGen C2930900, MONDO:0016142.

Allele frequency attached by ClinVar (database versions not stated): 1000 Genomes Project 30x 0.47705; 1000 Genomes Project 0.47863; TOPMed 0.56891; gnomAD 0.57518 and 0.57555.

Submissions (2):

Illumina Laboratory Services, Illumina
Classification: Benign for Qualitative or quantitative defects of beta-sarcoglycan. Last evaluated: 2018-01-12. Review status: criteria provided, single submitter. Criteria: ICSL Variant Classification Criteria 13 December 2019. Collection method: clinical testing. Allele origin: germline.
Comment: This variant was observed in the ICSL laboratory as part of a predisposition screen in an ostensibly healthy population. It had not been previously curated by ICSL or reported in the Human Gene Mutation Database (HGMD: prior to June 1st, 2018), and was therefore a candidate for classification through an automated scoring system. Utilizing variant allele frequency, disease prevalence and penetrance estimates, and inheritance mode, an automated score was calculated to assess if this variant is too frequent to cause the disease. Based on the score and internal cut-off values, a variant classified as benign is not then subjected to further curation. The score for this variant resulted in a classification of benign for this disease.

Breakthrough Genomics
Classification: Benign. Review status: criteria provided, single submitter. Criteria: ACMG Guidelines, 2015. Collection method: not provided. Allele origin: germline. Inheritance: Autosomal recessive inheritance. Affected: yes.